The following is an entry in ClinVar:

ClinVar aggregate classification (germline): Conflicting classifications of pathogenicity. Review status: criteria provided, conflicting classifications (1 of 4 stars). 8 submissions from 7 submitters: Uncertain significance (2); Likely benign (5). 1 of the submissions does not count toward it. Last evaluated 2026-06-01.

Conditions:
Inborn genetic diseases. Identifiers: MedGen C0950123, MeSH D030342.
CENPJ-related disorder. Also called: CENPJ-related condition; CENPJ-related disorders.
Seckel syndrome 4 (SCKL4). Identifiers: Orphanet 808, MedGen C3888212, MONDO:0013358, OMIM 613676.
Microcephaly 6, primary, autosomal recessive. Identifiers: Orphanet 2512, MedGen C1842109, MONDO:0012029, OMIM 608393.

Allele frequency attached by ClinVar (database versions not stated): gnomAD exomes 0.00013 and 0.00034; ExAC 0.00034; 1000 Genomes Project 30x 0.00094; 1000 Genomes Project 0.00100; TOPMed 0.00127; gnomAD 0.00130 and 0.00140; ESP Exome Variant Server 0.00138.
gnomAD v4.1: 396 of 1,614,122 alleles (0.025%); highest among the groups gnomAD compares: African/African-American, 0.43%; no homozygotes.

Submissions (8):

CeGaT Center for Human Genetics Tuebingen
Classification: Likely benign. Last evaluated: 2026-06-01. Review status: criteria provided, single submitter. Criteria: CeGaT Center For Human Genetics Tuebingen Variant Classification Criteria Version 2. Collection method: clinical testing. Allele origin: germline. Affected: yes. Observed: 1 variant allele.
Comment: CPAP: BP4

Labcorp Genetics (formerly Invitae), Labcorp
Classification: Likely benign. Last evaluated: 2025-12-10. Review status: criteria provided, single submitter. Criteria: Invitae Variant Classification Sherloc (09022015). Collection method: clinical testing. Allele origin: germline.

Ambry Genetics
Classification: Likely benign for Inborn genetic diseases. Last evaluated: 2021-07-06. Review status: criteria provided, single submitter. Criteria: Ambry Variant Classification Scheme 2023. Collection method: clinical testing. Allele origin: germline.

Illumina Laboratory Services, Illumina
Classification: Likely benign for Seckel syndrome 4. Last evaluated: 2018-01-13. Review status: criteria provided, single submitter. Criteria: ICSL Variant Classification Criteria 13 December 2019. Collection method: clinical testing. Allele origin: germline.
Comment: This variant was observed in the ICSL laboratory as part of a predisposition screen in an ostensibly healthy population. It had not been previously curated by ICSL or reported in the Human Gene Mutation Database (HGMD: prior to June 1st, 2018), and was therefore a candidate for classification through an automated scoring system. Utilizing variant allele frequency, disease prevalence and penetrance estimates, and inheritance mode, an automated score was calculated to assess if this variant is too frequent to cause the disease. Based on the score and internal cut-off values, a variant classified as likely benign is not then subjected to further curation. The score for this variant resulted in a classification of likely benign for this disease.

Illumina Laboratory Services, Illumina
Classification: Uncertain significance for Microcephaly 6, primary, autosomal recessive. Last evaluated: 2018-01-13. Review status: criteria provided, single submitter. Criteria: ICSL Variant Classification Criteria 13 December 2019. Collection method: clinical testing. Allele origin: germline.

Genetic Services Laboratory, University of Chicago
Classification: Uncertain significance. Last evaluated: 2016-02-26. Review status: criteria provided, single submitter. Criteria: ACMG Guidelines, 2015. Collection method: clinical testing. Allele origin: germline. Affected: no.

GeneDx
Classification: Likely benign. Last evaluated: 2015-03-03. Review status: criteria provided, single submitter. Criteria: GeneDx Variant Classification Process June 2021. Collection method: clinical testing. Allele origin: germline. Affected: yes.
Comment: See Variant Classification Assertion Criteria.

PreventionGenetics, part of Exact Sciences
Classification: Likely benign for CENPJ-related condition. Last evaluated: 2022-02-24. Review status: no assertion criteria provided. Collection method: clinical testing. Allele origin: germline. Not counted in ClinVar's aggregate classification.
Comment: This variant is classified as likely benign based on ACMG/AMP sequence variant interpretation guidelines (Richards et al. 2015 PMID: 25741868, with internal and published modifications).

NM_018451.5(CPAP):c.656C>T (p.Pro219Leu)

Gene: CPAP (centrosome assembly and centriole elongation protein; minus strand). Cytogenetic location: 13q12.13.
Variant type: single nucleotide variant.
Coding change: c.656C>T on transcript NM_018451.5 (MANE Select); coding-DNA position 656, C replaced by T.
Protein change: p.Pro219Leu; replaces proline 219 with leucine.
Molecular consequence: missense variant. On other transcripts: non-coding transcript variant (2).
Genome position (GRCh38, 1-based): chr13:24,909,999, G>A on the plus strand (C>T on the coding strand, the complement: CPAP is on the minus strand). VCF-style: chr13-24909999-G-A. GRCh37 (hg19) VCF-style: chr13-25484137-G-A.
Other names: short protein forms P219L.
Identifiers: ClinVar variation 311629 (VCV000311629.23), dbSNP rs139844197, ClinGen allele CA6919946.